The following is an entry in ClinVar:

NM_001203.3(BMPR1B):c.671G>A (p.Arg224His)

Gene: BMPR1B (bone morphogenetic protein receptor type 1B; plus strand). Cytogenetic location: 4q22.3.
Variant type: single nucleotide variant.
Coding change: c.671G>A on transcript NM_001203.3 (MANE Select); coding-DNA position 671, G replaced by A.
Protein change: p.Arg224His; replaces arginine 224 with histidine.
Molecular consequence: missense variant.
Genome position (GRCh38, 1-based): chr4:95,129,947, G>A. VCF-style: chr4-95129947-G-A. GRCh37 (hg19) VCF-style: chr4-96051098-G-A.
Other names: c.671G>A, p.Arg224His (NM_001256792.2, NM_001256794.1); c.761G>A, p.Arg254His (NM_001256793.2); short protein forms R224H, R254H.
Identifiers: ClinVar variation 350117 (VCV000350117.53), dbSNP rs35973133, ClinGen allele CA3015054.

ClinVar aggregate classification (germline): Conflicting classifications of pathogenicity. Review status: criteria provided, conflicting classifications (1 of 4 stars). 7 submissions from 7 submitters: Uncertain significance (1); Benign (1); Likely benign (4). 1 of the submissions does not count toward it. Last evaluated 2025-12-01.

Conditions:
BMPR1B-related disorder. Also called: BMPR1B-related condition.
Brachydactyly. Also called: Brachydactyly syndrome; Brachydactyly (disease). Identifiers: MedGen C0221357, MONDO:0021004, HP:0001156.
Type A2 brachydactyly (BDA2). Also called: MOHR-WRIEDT TYPE BRACHYDACTYLY; BRACHYMESOPHALANGY II; Brachymesophalangy type 2. Identifiers: Orphanet 93396, MedGen C1832702, MONDO:0007216, OMIM 112600, HP:0009372.
Acromesomelic dysplasia 3 (AMD3). Also called: CHONDRODYSPLASIA, ACROMESOMELIC, WITH OR WITHOUT GENITAL ANOMALIES; Acromesomelic dysplasia, Demirhan type. Identifiers: MedGen C4225404, MONDO:0012274, OMIM 609441.

Allele frequency attached by ClinVar (database versions not stated): TOPMed 0.00057; 1000 Genomes Project 0.00060; 1000 Genomes Project 30x 0.00062; gnomAD 0.00081; ESP Exome Variant Server 0.00085; gnomAD exomes 0.00094; ExAC 0.00108.
gnomAD v4.1: 1,150 of 1,613,942 alleles (0.071%); highest among the groups gnomAD compares: Non-Finnish European, 0.078%; 4 homozygotes.

Submissions (7):

CeGaT Center for Human Genetics Tuebingen
Classification: Likely benign. Last evaluated: 2025-12-01. Review status: criteria provided, single submitter. Criteria: CeGaT Center For Human Genetics Tuebingen Variant Classification Criteria Version 2. Collection method: clinical testing. Allele origin: germline. Affected: yes. Observed: 2 variant alleles.
Comment: BMPR1B: PP3, BS1

Labcorp Genetics (formerly Invitae), Labcorp
Classification: Likely benign for Type A2 brachydactyly; Acromesomelic dysplasia 3. Last evaluated: 2025-11-12. Review status: criteria provided, single submitter. Criteria: Invitae Variant Classification Sherloc (09022015). Collection method: clinical testing. Allele origin: germline.

GeneDx
Classification: Uncertain significance. Last evaluated: 2025-05-19. Review status: criteria provided, single submitter. Criteria: GeneDx Variant Classification Process June 2021. Collection method: clinical testing. Allele origin: germline. Affected: yes.
Comment: Has not been reported in a patient with features of a BMPR1B-related disorder, but has been observed in a patient with primary ovarian insufficiency and another with iris coloboma in published literature (PMID: 28505269, 36099812, 35034853); In silico analysis supports that this missense variant has a deleterious effect on protein structure/function; This variant is associated with the following publications: (PMID: 36099812, 31769494, 28505269, 35034853)

Blueprint Genetics
Classification: Likely benign. Last evaluated: 2024-11-21. Review status: criteria provided, single submitter. Criteria: ACMG Guidelines, 2015. Collection method: clinical testing. Allele origin: germline.

Illumina Laboratory Services, Illumina
Classification: Benign for Brachydactyly. Last evaluated: 2018-01-12. Review status: criteria provided, single submitter. Criteria: ICSL Variant Classification Criteria 13 December 2019. Collection method: clinical testing. Allele origin: germline.
Comment: This variant was observed in the ICSL laboratory as part of a predisposition screen in an ostensibly healthy population. It had not been previously curated by ICSL or reported in the Human Gene Mutation Database (HGMD: prior to June 1st, 2018), and was therefore a candidate for classification through an automated scoring system. Utilizing variant allele frequency, disease prevalence and penetrance estimates, and inheritance mode, an automated score was calculated to assess if this variant is too frequent to cause the disease. Based on the score and internal cut-off values, a variant classified as benign is not then subjected to further curation. The score for this variant resulted in a classification of benign for this disease.

Breakthrough Genomics
Classification: Likely benign. Review status: criteria provided, single submitter. Criteria: ACMG Guidelines, 2015. Collection method: not provided. Allele origin: germline. Inheritance: Autosomal recessive inheritance. Affected: yes.

PreventionGenetics, part of Exact Sciences
Classification: Uncertain significance for BMPR1B-related condition. Last evaluated: 2024-01-11. Review status: no assertion criteria provided. Collection method: clinical testing. Allele origin: germline. Not counted in ClinVar's aggregate classification.
Comment: The BMPR1B c.671G>A variant is predicted to result in the amino acid substitution p.Arg224His. This variant was reported in one individual bilateral iris coloboma and chorioretinal coloboma (Owen et al 2022. PubMed ID: 35034853). This variant along with a variant in MCM9 was reported in an individual with primary ovarian insufficiency (reported as p.Arg254His in Table 1 Patiño et al 2017. PubMed ID: 28505269). Functional studies suggest that this variant does not alter genes expression and localization (Renault et al. 2020. PubMed ID: 31769494). This variant is reported in 0.18% of alleles in individuals of Ashkenazi Jewish descent in gnomAD. Although we suspect that this variant may be benign, at this time, the clinical significance of this variant is uncertain due to the absence of conclusive functional and genetic evidence.